The following is an entry in ClinVar:

NM_001127178.3(PIGG):c.2750G>A (p.Ser917Asn)

Gene: PIGG (phosphatidylinositol glycan anchor biosynthesis class G (EMM blood group); plus strand). Cytogenetic location: 4p16.3.
Variant type: single nucleotide variant.
Coding change: c.2750G>A on transcript NM_001127178.3 (MANE Select); coding-DNA position 2750, G replaced by A.
Protein change: p.Ser917Asn; replaces serine 917 with asparagine.
Molecular consequence: missense variant. On other transcripts: non-coding transcript variant (10).
Genome position (GRCh38, 1-based): chr4:539,167, G>A. VCF-style: chr4-539167-G-A. GRCh37 (hg19) VCF-style: chr4-532956-G-A.
Other names: c.2483G>A, p.Ser828Asn (NM_001289051.2, NM_001345986.2); c.2351G>A, p.Ser784Asn (NM_001289052.2); c.2459G>A, p.Ser820Asn (NM_001345987.2); c.1721G>A, p.Ser574Asn (NM_001345988.2); c.1217G>A, p.Ser406Asn (NM_001345990.2, NM_001345991.2); c.1652G>A, p.Ser551Asn (NM_001345994.2); c.2726G>A, p.Ser909Asn (NM_017733.5); short protein forms S406N, S551N, S574N, S784N, S820N, S828N, S909N, S917N.
Identifiers: ClinVar variation 3369120 (VCV003369120.1).

ClinVar aggregate classification (germline): Uncertain significance (1 of 4 stars; one submission).

Submission:

GeneDx
Classification: Uncertain significance. Last evaluated: 2024-02-15. Review status: criteria provided, single submitter. Criteria: GeneDx Variant Classification Process June 2021. Collection method: clinical testing. Allele origin: germline. Affected: yes.
Comment: Not observed at significant frequency in large population cohorts (gnomAD); In silico analysis supports that this missense variant does not alter protein structure/function; Has not been previously published as pathogenic or benign to our knowledge